The following is an entry in ClinVar:

NM_000260.4(MYO7A):c.3504-1G>C

Gene: MYO7A (myosin VIIA; plus strand). Cytogenetic location: 11q13.5.
Variant type: single nucleotide variant.
Coding change: c.3504-1G>C on transcript NM_000260.4 (MANE Select); the canonical splice acceptor site of the intron before coding-DNA position 3504, G replaced by C.
Molecular consequence: splice acceptor variant.
Genome position (GRCh38, 1-based): chr11:77,189,343, G>C. VCF-style: chr11-77189343-G-C. GRCh37 (hg19) VCF-style: chr11-76900388-G-C.
Other names: c.3471-1G>C (NM_001369365.1); c.3504-1G>C (NM_001127180.2).
Identifiers: ClinVar variation 554480 (VCV000554480.14), dbSNP rs1555090171, ClinGen allele CA381946816.

ClinVar aggregate classification (germline): Pathogenic. Review status: criteria provided, multiple submitters, no conflicts (2 of 4 stars). 5 submissions from 5 submitters: Pathogenic (4). 1 of the submissions does not count toward it. Last evaluated 2025-10-09.

Conditions:
Autosomal recessive nonsyndromic hearing loss 2. Also called: DEAFNESS, AUTOSOMAL RECESSIVE 2; NEUROSENSORY NONSYNDROMIC RECESSIVE DEAFNESS 2. Identifiers: Orphanet 90636, MedGen C1838701, MONDO:0010807, OMIM 600060.
Usher syndrome type 1 (USH1). Also called: RETINITIS PIGMENTOSA AND CONGENITAL DEAFNESS. Identifiers: Orphanet 231169, Orphanet 886, MedGen C1568247, MONDO:0010168, OMIM 276900.
Autosomal dominant nonsyndromic hearing loss 11. Identifiers: Orphanet 90635, MedGen C1832475, MONDO:0011032, OMIM 601317.
Usher syndrome type 1B (USH1B). Also called: Usher syndrome type IB. Identifiers: MedGen C1848638, MONDO:0700087.

Allele frequency attached by ClinVar (database versions not stated): gnomAD exomes below 0.00001 and 0.00001; gnomAD 0.00001; TOPMed 0.00001.
gnomAD v4.1: 8 of 1,613,086 alleles (0.0005%); highest among the groups gnomAD compares: African/African-American, 0.0013%; no homozygotes.

Submissions (5):

Natera, Inc.
Classification: Pathogenic for Usher syndrome type 1B. Last evaluated: 2025-10-09. Review status: criteria provided, single submitter. Criteria: Natera Variant Classification Schema (03/2026). Collection method: clinical testing. Allele origin: germline.
Comment: The c.3504-1G>C variant in MYO7A is a canonical splice acceptor site variant predicted to affect pre-mRNA splicing, which may result in an abnormal transcript and altered protein product. This variant is expected to result in nonsense mediated decay, truncation, or a dysfunctional protein product. This variant is rare in the general population with a frequency below the threshold expected for the associated phenotype(s). This variant has been observed in one or more individuals affected with the associated recessive disease, as either homozygous or compound heterozygous with a second variant (PMID: 28559085). Given the available evidence, this variant is classified as Pathogenic.

Labcorp Genetics (formerly Invitae), Labcorp
Classification: Pathogenic. Last evaluated: 2025-03-13. Review status: criteria provided, single submitter. Criteria: Invitae Variant Classification Sherloc (09022015). Collection method: clinical testing. Allele origin: germline.
Comment: This sequence change affects an acceptor splice site in intron 27 of the MYO7A gene. It is expected to disrupt RNA splicing. Variants that disrupt the donor or acceptor splice site typically lead to a loss of protein function (PMID: 16199547), and loss-of-function variants in MYO7A are known to be pathogenic (PMID: 8900236, 25404053). This variant is present in population databases (no rsID available, gnomAD 0.0009%). Disruption of this splice site has been observed in individual(s) with Usher syndrome (PMID: 15660226, 24199935, 28559085). In at least one individual the data is consistent with being in trans (on the opposite chromosome) from a pathogenic variant. This variant is also known as IVS27-1G>C. ClinVar contains an entry for this variant (Variation ID: 554480). Algorithms developed to predict the effect of sequence changes on RNA splicing suggest that this variant may disrupt the consensus splice site. For these reasons, this variant has been classified as Pathogenic.

GeneDx
Classification: Pathogenic. Last evaluated: 2024-10-01. Review status: criteria provided, single submitter. Criteria: GeneDx Variant Classification Process June 2021. Collection method: clinical testing. Allele origin: germline. Affected: yes.
Comment: Identified in patients with suspected MYO7A-related disorders in published literature (PMID: 28559085, 15660226, 22135276); Canonical splice site variant predicted to result in a null allele in a gene for which loss of function is a known mechanism of disease; Not observed at significant frequency in large population cohorts (gnomAD); This variant is associated with the following publications: (PMID: 9718356, 28559085, 31964843, 15660226, 22135276, 24199935, 23770805)

Fulgent Genetics
Classification: Pathogenic for Usher syndrome type 1; Autosomal recessive nonsyndromic hearing loss 2; Autosomal dominant nonsyndromic hearing loss 11. Last evaluated: 2024-03-20. Review status: criteria provided, single submitter. Criteria: ACMG Guidelines, 2015. Collection method: clinical testing. Allele origin: germline.

Counsyl
Classification: Pathogenic for Usher syndrome type 1; Autosomal recessive nonsyndromic hearing loss 2. Last evaluated: 2017-10-19. Review status: no assertion criteria provided. Collection method: clinical testing. Allele origin: unknown. Not counted in ClinVar's aggregate classification.

Literature cited by the submitters: PubMed 28559085 (cited by Natera, Inc. and Labcorp Genetics (formerly Invitae), Labcorp); PubMed 16199547 (cited by Labcorp Genetics (formerly Invitae), Labcorp); PubMed 8900236 (cited by Labcorp Genetics (formerly Invitae), Labcorp); PubMed 25404053 (cited by Labcorp Genetics (formerly Invitae), Labcorp); PubMed 15660226 (cited by Labcorp Genetics (formerly Invitae), Labcorp and Counsyl); PubMed 24199935 (cited by Labcorp Genetics (formerly Invitae), Labcorp); PubMed 23770805 (cited by Counsyl); PubMed 22135276 (cited by Counsyl).